The following is an entry in ClinVar:

NM_206926.2(SELENON):c.301+114G>T

Gene: SELENON (selenoprotein N; plus strand). Cytogenetic location: 1p36.11.
Variant type: single nucleotide variant.
Coding change: c.301+114G>T on transcript NM_206926.2 (MANE Select); 114 bases into the intron after coding-DNA position 301, G replaced by T.
Molecular consequence: intron variant.
Genome position (GRCh38, 1-based): chr1:25,801,274, G>T. VCF-style: chr1-25801274-G-T. GRCh37 (hg19) VCF-style: chr1-26127765-G-T.
Other names: c.301+114G>T (NM_020451.3).
Identifiers: ClinVar variation 679560 (VCV000679560.2), dbSNP rs7514866, ClinGen allele CA10874911.

ClinVar aggregate classification (germline): Likely benign. Review status: criteria provided, multiple submitters, no conflicts (2 of 4 stars). 2 submissions from 2 submitters: Likely benign (2). Last evaluated 2018-06-16.

Allele frequency attached by ClinVar (database versions not stated): 1000 Genomes Project 0.01518; gnomAD 0.01450 and 0.01568; 1000 Genomes Project 30x 0.01562; TOPMed 0.01667; gnomAD exomes 0.00167.

Submissions (2):

GeneDx
Classification: Likely benign. Last evaluated: 2018-06-16. Review status: criteria provided, single submitter. Criteria: GeneDx Variant Classification (06012015). Collection method: clinical testing. Allele origin: germline. Affected: yes.
Comment: This variant is considered likely benign or benign based on one or more of the following criteria: it is a conservative change, it occurs at a poorly conserved position in the protein, it is predicted to be benign by multiple in silico algorithms, and/or has population frequency not consistent with disease.

Breakthrough Genomics
Classification: Likely benign. Review status: criteria provided, single submitter. Criteria: ACMG Guidelines, 2015. Collection method: not provided. Allele origin: germline. Inheritance: Autosomal recessive inheritance. Affected: yes.